The following is an entry in ClinVar:

NM_014780.5(CUL7):c.1587C>G (p.Ile529Met)

Gene: CUL7 (cullin 7; minus strand). Cytogenetic location: 6p21.1.
Variant type: single nucleotide variant.
Coding change: c.1587C>G on transcript NM_014780.5 (MANE Select); coding-DNA position 1587, C replaced by G.
Protein change: p.Ile529Met; replaces isoleucine 529 with methionine.
Molecular consequence: missense variant.
Genome position (GRCh38, 1-based): chr6:43,049,645, G>C on the plus strand (C>G on the coding strand, the complement: CUL7 is on the minus strand). VCF-style: chr6-43049645-G-C. GRCh37 (hg19) VCF-style: chr6-43017383-G-C.
Other names: c.1683C>G, p.Ile561Met (NM_001168370.2, NM_001374872.1); c.1587C>G, p.Ile529Met (NM_001374873.1, NM_001374874.1); short protein forms I529M, I561M.
Identifiers: ClinVar variation 1426189 (VCV001426189.5), dbSNP rs770738502, ClinGen allele CA3814107.

ClinVar aggregate classification (germline): Uncertain significance (1 of 4 stars; one submission).

Allele frequency attached by ClinVar (database versions not stated): gnomAD exomes 0.00001; ExAC 0.00002.

Submission:

Labcorp Genetics (formerly Invitae), Labcorp
Classification: Uncertain significance. Last evaluated: 2021-09-01. Review status: criteria provided, single submitter. Criteria: Invitae Variant Classification Sherloc (09022015). Collection method: clinical testing. Allele origin: germline.
Comment: This sequence change replaces isoleucine with methionine at codon 529 of the CUL7 protein (p.Ile529Met). The isoleucine residue is moderately conserved and there is a small physicochemical difference between isoleucine and methionine. This variant is present in population databases (rs770738502, ExAC 0.003%). This variant has not been reported in the literature in individuals affected with CUL7-related conditions. Algorithms developed to predict the effect of missense changes on protein structure and function output the following: SIFT: "Tolerated"; PolyPhen-2: "Benign"; Align-GVGD: "Class C0". The methionine amino acid residue is found in multiple mammalian species, which suggests that this missense change does not adversely affect protein function. In summary, the available evidence is currently insufficient to determine the role of this variant in disease. Therefore, it has been classified as a Variant of Uncertain Significance.